The following is an entry in ClinVar:

ClinVar aggregate classification (germline): Benign (1 of 4 stars; one submission).

Conditions:
Congenital fibrosis of extraocular muscles type 1. Also called: CFEOM3B; BLEPHAROPTOSIS WITH ABSENT EYE MOVEMENTS; OPHTHALMOPLEGIA, CONGENITAL; FEOM1 LOCUS. Identifiers: MedGen C1851102, MONDO:0021083, OMIM 135700.

Allele frequency attached by ClinVar (database versions not stated): 1000 Genomes Project 30x 0.00047; 1000 Genomes Project 0.00060; TOPMed 0.00137; gnomAD 0.00150 and 0.00159.

Submission:

Illumina Laboratory Services, Illumina
Classification: Benign for Congenital fibrosis of extraocular muscles type 1. Last evaluated: 2018-01-12. Review status: criteria provided, single submitter. Criteria: ICSL Variant Classification Criteria 13 December 2019. Collection method: clinical testing. Allele origin: germline.
Comment: This variant was observed in the ICSL laboratory as part of a predisposition screen in an ostensibly healthy population. It had not been previously curated by ICSL or reported in the Human Gene Mutation Database (HGMD: prior to June 1st, 2018), and was therefore a candidate for classification through an automated scoring system. Utilizing variant allele frequency, disease prevalence and penetrance estimates, and inheritance mode, an automated score was calculated to assess if this variant is too frequent to cause the disease. Based on the score and internal cut-off values, a variant classified as benign is not then subjected to further curation. The score for this variant resulted in a classification of benign for this disease.

NM_001173464.2(KIF21A):c.*707A>G

Gene: KIF21A (kinesin family member 21A; minus strand). Cytogenetic location: 12q12.
Variant type: single nucleotide variant.
Coding change: c.*707A>G on transcript NM_001173464.2 (MANE Select); 707 bases downstream of the stop codon, A replaced by G.
Molecular consequence: 3 prime UTR variant.
Genome position (GRCh38, 1-based): chr12:39,293,717, T>C on the plus strand (A>G on the coding strand, the complement: KIF21A is on the minus strand). VCF-style: chr12-39293717-T-C. GRCh37 (hg19) VCF-style: chr12-39687519-T-C.
Other names: c.*707A>G (NM_001173463.2, NM_001173465.2, NM_017641.4).
Identifiers: ClinVar variation 308532 (VCV000308532.5), dbSNP rs536139187, ClinGen allele CA10632647.